The following is an entry in ClinVar:

NC_000002.11:g.(?_3481446)_(3691708_?)dup

Genes: ADI1 (acireductone dioxygenase 1; minus strand), COLEC11 (collectin subfamily member 11; plus strand), RNASEH1 (ribonuclease H1; minus strand), RPS7 (ribosomal protein S7; plus strand), TRAPPC12 (trafficking protein particle complex subunit 12; plus strand). Cytogenetic location: 2p25.3.
Variant type: Duplication.
Identifiers: ClinVar variation 3247490 (VCV003247490.1).

ClinVar aggregate classification (germline): Uncertain significance (1 of 4 stars; one submission).

Submission:

Labcorp Genetics (formerly Invitae), Labcorp
Classification: Uncertain significance. Last evaluated: 2023-05-09. Review status: criteria provided, single submitter. Criteria: Invitae Variant Classification Sherloc (09022015). Collection method: clinical testing. Allele origin: unknown.
Comment: This variant has not been reported in the literature in individuals affected with TRAPPC12-related conditions. In summary, the available evidence is currently insufficient to determine the role of this variant in disease. Therefore, it has been classified as a Variant of Uncertain Significance. Experimental studies and prediction algorithms are not available or were not evaluated, and the functional significance of this variant is currently unknown. This variant results in a copy number gain of the genomic region encompassing exon(s) 10-12 of the TRAPPC12 gene. This region includes the termination codon of the gene. This copy number gain extends beyond the assayed region for this gene and therefore may encompass additional genes. As the precise location of this event is unknown, it may be in tandem or it may be located elsewhere in the genome.